The following is an entry in ClinVar:

NM_020812.4(DOCK6):c.2160+5G>A

Gene: DOCK6 (dedicator of cytokinesis 6; minus strand). Cytogenetic location: 19p13.2.
Variant type: single nucleotide variant.
Coding change: c.2160+5G>A on transcript NM_020812.4 (MANE Select); 5 bases into the intron after coding-DNA position 2160, G replaced by A.
Molecular consequence: intron variant.
Genome position (GRCh38, 1-based): chr19:11,236,788, C>T on the plus strand (G>A on the coding strand, the complement: DOCK6 is on the minus strand). VCF-style: chr19-11236788-C-T. GRCh37 (hg19) VCF-style: chr19-11347464-C-T.
Other names: c.2160+5G>A (NM_001367830.1).
Identifiers: ClinVar variation 788019 (VCV000788019.21), dbSNP rs150276162, ClinGen allele CA9207722.

ClinVar aggregate classification (germline): Benign/Likely benign. Review status: criteria provided, multiple submitters, no conflicts (2 of 4 stars). 5 submissions from 5 submitters: Benign (1); Likely benign (3). 1 of the submissions does not count toward it. Last evaluated 2026-02-03.

Conditions:
Intellectual disability. Also called: Intellectual developmental disorder; Intellectual functioning disability; intellectual disabilities. Identifiers: MedGen C3714756, MeSH D008607, MONDO:0001071, HP:0001249.

Allele frequency attached by ClinVar (database versions not stated): ESP Exome Variant Server 0.00238; gnomAD 0.00405; TOPMed 0.00438; 1000 Genomes Project 0.00479; 1000 Genomes Project 30x 0.00609.
gnomAD v4.1: 1,207 of 1,552,488 alleles (0.078%); highest among the groups gnomAD compares: African/African-American, 1.4%; 6 homozygotes.

Submissions (8):

Labcorp Genetics (formerly Invitae), Labcorp
Classification: Benign. Last evaluated: 2026-02-03. Review status: criteria provided, single submitter. Criteria: Invitae Variant Classification Sherloc (09022015). Collection method: clinical testing. Allele origin: germline.

CeGaT Center for Human Genetics Tuebingen
Classification: Likely benign. Last evaluated: 2025-12-01. Review status: criteria provided, single submitter. Criteria: CeGaT Center For Human Genetics Tuebingen Variant Classification Criteria Version 2. Collection method: clinical testing. Allele origin: germline. Affected: yes. Observed: 1 variant allele.
Comment: DOCK6: BP4, BS1

Blueprint Genetics
Classification: Likely benign. Last evaluated: 2024-08-06. Review status: criteria provided, single submitter. Criteria: ACMG Guidelines, 2015. Collection method: clinical testing. Allele origin: germline.

GeneDx
Classification: Likely benign. Last evaluated: 2020-10-09. Review status: criteria provided, single submitter. Criteria: GeneDx Variant Classification Process June 2021. Collection method: clinical testing. Allele origin: germline. Affected: yes.

Centre de Biologie Pathologie Génétique, Centre Hospitalier Universitaire de Lille
Classification: Likely benign for Intellectual disability. Last evaluated: 2019-01-01. Review status: no assertion criteria provided. Collection method: clinical testing. Allele origin: inherited. Affected: yes. Not counted in ClinVar's aggregate classification.

Dr. Peter K. Rogan Lab, Western University
No classification provided (evidence only). Condition: Colon adenocarcinoma. Review status: no classification provided. Collection method: in vitro. Allele origin: not applicable. Functional consequence: retained intron. Not counted in ClinVar's aggregate classification.

Dr. Peter K. Rogan Lab, Western University
No classification provided (evidence only). Condition: Uterine corpus endometrial carcinoma. Review status: no classification provided. Collection method: in vitro. Allele origin: not applicable. Functional consequence: retained intron. Not counted in ClinVar's aggregate classification.

Dr. Peter K. Rogan Lab, Western University
No classification provided (evidence only). Condition: Sarcoma. Review status: no classification provided. Collection method: in vitro. Allele origin: not applicable. Functional consequence: retained intron. Not counted in ClinVar's aggregate classification.